The following is an entry in ClinVar:

ClinVar aggregate classification (germline): Conflicting classifications of pathogenicity. Review status: criteria provided, conflicting classifications (1 of 4 stars). 7 submissions from 7 submitters: Uncertain significance (6); Likely benign (1). Last evaluated 2026-01-19.

Conditions:
COL1A2-related disorder. Also called: COL1A2-related condition; COL1A2-Related Disorders.
Osteogenesis imperfecta type I (OI1). Also called: Lobstein's Disease; Lobstein disease; OI, TYPE I; OSTEOGENESIS IMPERFECTA TARDA; OSTEOGENESIS IMPERFECTA WITH BLUE SCLERAE; Osteogenesis imperfecta type 1. Identifiers: Orphanet 216796, Orphanet 666, MedGen C0023931, MONDO:0008146, OMIM 166200. Disease mechanism: loss of function.
Ehlers-Danlos syndrome, classic type, 1 (EDSCL1). Also called: Ehlers-Danlos syndrome, type 1; Ehlers-Danlos Syndrome, Classic Type, COL5A1-Related; EDS I; EHLERS-DANLOS SYNDROME, GRAVIS TYPE; EHLERS-DANLOS SYNDROME, SEVERE CLASSIC TYPE. Identifiers: MedGen C0268335, MONDO:0019567, OMIM 130000.
Cardiovascular phenotype. Identifiers: MedGen CN230736.

Allele frequency attached by ClinVar (database versions not stated): TOPMed 0.00003.
gnomAD v4.1: 35 of 1,613,864 alleles (0.0022%); highest among the groups gnomAD compares: Non-Finnish European, 0.0027%; no homozygotes.

Submissions (7):

Women's Health and Genetics/Laboratory Corporation of America, LabCorp
Classification: Uncertain significance. Last evaluated: 2026-01-19. Review status: criteria provided, single submitter. Criteria: LabCorp Variant Classification Summary - May 2015. Collection method: clinical testing. Allele origin: germline.
Comment: Variant summary: COL1A2 c.2168A>T (p.Asn723Ile) results in a non-conservative amino acid change in the encoded protein sequence. Algorithms developed to predict the effect of missense changes on protein structure and function are either unavailable or do not agree on the potential impact of this missense change. The variant allele was found at a frequency of 4e-05 in 251418 control chromosomes. This frequency is not significantly higher than estimated for disease-causing variants in COL1A2, allowing no conclusion about variant significance. To our knowledge, no occurrence of c.2168A>T in individuals affected with COL1A2-related conditions and no experimental evidence demonstrating its impact on protein function have been reported. The following publications have been ascertained in the context of this evaluation (PMID: 29681454, 33974636). ClinVar contains an entry for this variant (Variation ID: 649838). Based on the evidence outlined above, the variant was classified as uncertain significance.

Ambry Genetics
Classification: Uncertain significance for Cardiovascular phenotype. Last evaluated: 2025-08-28. Review status: criteria provided, single submitter. Criteria: Ambry Variant Classification Scheme 2023. Collection method: clinical testing. Allele origin: germline.
Comment: The p.N723I variant (also known as c.2168A>T), located in coding exon 36 of the COL1A2 gene, results from an A to T substitution at nucleotide position 2168. The asparagine at codon 723 is replaced by isoleucine, an amino acid with dissimilar properties. This amino acid position is not well conserved in available vertebrate species. In addition, the in silico prediction for this alteration is inconclusive. Based on the available evidence, the clinical significance of this variant remains unclear.

GeneDx
Classification: Uncertain significance. Last evaluated: 2025-04-14. Review status: criteria provided, single submitter. Criteria: GeneDx Variant Classification Process June 2021. Collection method: clinical testing. Allele origin: germline. Affected: yes.
Comment: In silico analysis indicates that this missense variant does not alter protein structure/function; Not located in the triple helical region, where the majority of pathogenic missense variants occur (HGMD); This variant is associated with the following publications: (PMID: 33974636)

PreventionGenetics, part of Exact Sciences
Classification: Uncertain significance for COL1A2-related condition. Last evaluated: 2025-03-18. Review status: criteria provided, single submitter. Criteria: ACMG Guidelines, 2015. Collection method: clinical testing. Allele origin: germline.
Comment: The COL1A2 c.2168A>T variant is predicted to result in the amino acid substitution p.Asn723Ile. This variant was reported in a cohort of patients with Chiari 1 malformation (Urbizu et al. 2021. PubMed ID: 33974636). This variant is reported in 0.0070% of alleles in individuals of European (Non-Finnish) descent in gnomAD. At this time, the clinical significance of this variant is uncertain due to the absence of conclusive functional and genetic evidence.

Labcorp Genetics (formerly Invitae), Labcorp
Classification: Uncertain significance for Osteogenesis imperfecta type I; Ehlers-Danlos syndrome, classic type, 1. Last evaluated: 2024-09-30. Review status: criteria provided, single submitter. Criteria: Invitae Variant Classification Sherloc (09022015). Collection method: clinical testing. Allele origin: germline.
Comment: This sequence change replaces asparagine, which is neutral and polar, with isoleucine, which is neutral and non-polar, at codon 723 of the COL1A2 protein (p.Asn723Ile). This variant is present in population databases (rs189374343, gnomAD 0.008%). This variant has not been reported in the literature in individuals affected with COL1A2-related conditions. ClinVar contains an entry for this variant (Variation ID: 649838). Invitae Evidence Modeling of protein sequence and biophysical properties (such as structural, functional, and spatial information, amino acid conservation, physicochemical variation, residue mobility, and thermodynamic stability) indicates that this missense variant is not expected to disrupt COL1A2 protein function with a negative predictive value of 95%. In summary, the available evidence is currently insufficient to determine the role of this variant in disease. Therefore, it has been classified as a Variant of Uncertain Significance.

Blueprint Genetics
Classification: Likely benign. Last evaluated: 2024-09-25. Review status: criteria provided, single submitter. Criteria: ACMG Guidelines, 2015. Collection method: clinical testing. Allele origin: germline.

CeGaT Center for Human Genetics Tuebingen
Classification: Uncertain significance. Last evaluated: 2019-10-01. Review status: criteria provided, single submitter. Criteria: CeGaT Center For Human Genetics Tuebingen Variant Classification Criteria Version 2. Collection method: clinical testing. Allele origin: germline. Affected: yes. Observed: 3 variant alleles.

Literature cited by the submitters: PubMed 29681454 (cited by Women's Health and Genetics/Laboratory Corporation of America, LabCorp); PubMed 33974636 (cited by Women's Health and Genetics/Laboratory Corporation of America, LabCorp).

NM_000089.4(COL1A2):c.2168A>T (p.Asn723Ile)

Gene: COL1A2 (collagen type I alpha 2 chain; plus strand). Cytogenetic location: 7q21.3.
Variant type: single nucleotide variant.
Coding change: c.2168A>T on transcript NM_000089.4 (MANE Select); coding-DNA position 2168, A replaced by T.
Protein change: p.Asn723Ile; replaces asparagine 723 with isoleucine.
Molecular consequence: missense variant.
Genome position (GRCh38, 1-based): chr7:94,420,425, A>T. VCF-style: chr7-94420425-A-T. GRCh37 (hg19) VCF-style: chr7-94049737-A-T.
Other names: short protein forms N723I.
Identifiers: ClinVar variation 649838 (VCV000649838.56), dbSNP rs189374343, ClinGen allele CA4347340.